The following is an entry in ClinVar:

ClinVar aggregate classification (germline): Uncertain significance (1 of 4 stars; one submission).

Conditions:
Hereditary cancer-predisposing syndrome. Also called: Neoplastic Syndromes, Hereditary; Tumor predisposition; Hereditary neoplastic syndrome; Hereditary Cancer Syndrome. Identifiers: Orphanet 140162, MedGen C0027672, MeSH D009386, MONDO:0015356.

Submission:

Ambry Genetics
Classification: Uncertain significance for Hereditary cancer-predisposing syndrome. Last evaluated: 2023-03-11. Review status: criteria provided, single submitter. Criteria: Ambry Variant Classification Scheme 2023. Collection method: clinical testing. Allele origin: germline.
Comment: The p.T1576A variant (also known as c.4726A>G), located in coding exon 36 of the TSC2 gene, results from an A to G substitution at nucleotide position 4726. The threonine at codon 1576 is replaced by alanine, an amino acid with similar properties. This amino acid position is conserved. In addition, the in silico prediction for this alteration is inconclusive. Since supporting evidence is limited at this time, the clinical significance of this alteration remains unclear.

NM_000548.5(TSC2):c.4726A>G (p.Thr1576Ala)

Gene: TSC2 (TSC complex subunit 2; plus strand). Cytogenetic location: 16p13.3.
Variant type: single nucleotide variant.
Coding change: c.4726A>G on transcript NM_000548.5 (MANE Select); coding-DNA position 4726, A replaced by G.
Protein change: p.Thr1576Ala; replaces threonine 1576 with alanine.
Molecular consequence: missense variant. On other transcripts: non-coding transcript variant (5).
Genome position (GRCh38, 1-based): chr16:2,086,256, A>G. VCF-style: chr16-2086256-A-G. GRCh37 (hg19) VCF-style: chr16-2136257-A-G.
Other names: c.4525A>G, p.Thr1509Ala (NM_001077183.3); c.4657A>G, p.Thr1553Ala (NM_001114382.3); c.4417A>G, p.Thr1473Ala (NM_001318827.2); c.4381A>G, p.Thr1461Ala (NM_001318829.2); c.3994A>G, p.Thr1332Ala (NM_001318831.2); c.4558A>G, p.Thr1520Ala (NM_001318832.2); c.4528A>G, p.Thr1510Ala (NM_001363528.2); c.4594A>G, p.Thr1532Ala (NM_001370404.1); and 26 more; short protein forms T1061A, T1310A, T1332A, T1352A, T1460A, T1461A, T1516A, T1539A.
Identifiers: ClinVar variation 2450008 (VCV002450008.2), dbSNP rs2151571772, ClinGen allele CA394307532.